The following is an entry in ClinVar:

NM_001077415.3(CRELD1):c.1049-368C>G

Gene: CRELD1 (CRELD disulfide isomerase 1; plus strand). Cytogenetic location: 3p25.3.
Variant type: single nucleotide variant.
Coding change: c.1049-368C>G on transcript NM_001077415.3 (MANE Select); 368 bases into the intron before coding-DNA position 1049, C replaced by G.
Molecular consequence: intron variant. On other transcripts: missense variant (3).
Genome position (GRCh38, 1-based): chr3:9,943,997, C>G. VCF-style: chr3-9943997-C-G. GRCh37 (hg19) VCF-style: chr3-9985681-C-G.
Other names: c.1144C>G, p.Gln382Glu (NM_001031717.4); c.1156C>G, p.Gln386Glu (NM_001374317.1, NM_001374318.1); c.965-368C>G (NM_001374319.1, NM_001374320.1); c.1049-368C>G (NM_001374316.1, NM_015513.6); short protein forms Q382E, Q386E.
Identifiers: ClinVar variation 1433113 (VCV001433113.6), dbSNP rs781716032, ClinGen allele CA351728839.

ClinVar aggregate classification (germline): Uncertain significance (1 of 4 stars; one submission).

Conditions:
Atrioventricular septal defect, susceptibility to, 2. Identifiers: MedGen C1853508, MONDO:0011650, OMIM 606217.

Submission:

Labcorp Genetics (formerly Invitae), Labcorp
Classification: Uncertain significance for Atrioventricular septal defect, susceptibility to, 2. Last evaluated: 2022-10-17. Review status: criteria provided, single submitter. Criteria: Invitae Variant Classification Sherloc (09022015). Collection method: clinical testing. Allele origin: germline.
Comment: This sequence change replaces glutamine, which is neutral and polar, with glutamic acid, which is acidic and polar, at codon 382 of the CRELD1 protein (p.Gln382Glu). This variant is not present in population databases (gnomAD no frequency). This variant has not been reported in the literature in individuals affected with CRELD1-related conditions. ClinVar contains an entry for this variant (Variation ID: 1433113). Algorithms developed to predict the effect of missense changes on protein structure and function output the following: SIFT: "Tolerated"; PolyPhen-2: "Benign"; Align-GVGD: "Class C0". The glutamic acid amino acid residue is found in multiple mammalian species, which suggests that this missense change does not adversely affect protein function. In summary, the available evidence is currently insufficient to determine the role of this variant in disease. Therefore, it has been classified as a Variant of Uncertain Significance.